The following is an entry in ClinVar:

NM_001376571.1(MADD):c.1738C>T (p.Pro580Ser)

Gene: MADD (MAP kinase activating death domain; plus strand). Cytogenetic location: 11p11.2.
Variant type: single nucleotide variant.
Coding change: c.1738C>T on transcript NM_001376571.1 (MANE Select); coding-DNA position 1738, C replaced by T.
Protein change: p.Pro580Ser; replaces proline 580 with serine.
Molecular consequence: missense variant. On other transcripts: non-coding transcript variant (8).
Genome position (GRCh38, 1-based): chr11:47,282,845, C>T. VCF-style: chr11-47282845-C-T. GRCh37 (hg19) VCF-style: chr11-47304396-C-T.
Other names: c.1738C>T, p.Pro580Ser (NM_001376594.1, NM_001376595.1, NM_001376596.1 and 80 more transcripts); c.1534C>T, p.Pro512Ser (NM_001376620.1, NM_001376635.1, NM_001376654.1 and 9 more transcripts); c.1072C>T, p.Pro358Ser (NM_001376663.1); short protein forms P580S, P512S, P358S.
Identifiers: ClinVar variation 4050442 (VCV004050442.3).

ClinVar aggregate classification (germline): Uncertain significance. Review status: criteria provided, multiple submitters, no conflicts (2 of 4 stars). 2 submissions from 2 submitters: Uncertain significance (2). Last evaluated 2026-06-06.

Conditions:
Inborn genetic diseases. Identifiers: MedGen C0950123, MeSH D030342.

gnomAD v4.1: 22 of 1,614,044 alleles (0.0014%); highest among the groups gnomAD compares: African/African-American, 0.028%; no homozygotes.

Submissions (2):

GeneDx
Classification: Uncertain significance. Last evaluated: 2026-06-06. Review status: criteria provided, single submitter. Criteria: GeneDx Variant Classification Process June 2021. Collection method: clinical testing. Allele origin: germline.
Comment: In silico analysis supports that this missense variant has a deleterious effect on protein structure/function; Has not been previously published as pathogenic or benign to our knowledge

Ambry Genetics
Classification: Uncertain significance for Inborn genetic diseases. Last evaluated: 2025-04-01. Review status: criteria provided, single submitter. Criteria: Ambry Variant Classification Scheme 2023. Collection method: clinical testing. Allele origin: germline.